The following is an entry in ClinVar:

ClinVar aggregate classification (germline): Uncertain significance (1 of 4 stars; one submission).

Allele frequency attached by ClinVar (database versions not stated): gnomAD 0.00001; gnomAD exomes 0.00001.
gnomAD v4.1: 8 of 1,599,582 alleles (0.0005%); highest among the groups gnomAD compares: African/African-American, 0.0013%; no homozygotes.

Submission:

Labcorp Genetics (formerly Invitae), Labcorp
Classification: Uncertain significance. Last evaluated: 2024-01-19. Review status: criteria provided, single submitter. Criteria: Invitae Variant Classification Sherloc (09022015). Collection method: clinical testing. Allele origin: germline.
Comment: This sequence change replaces glutamine, which is neutral and polar, with arginine, which is basic and polar, at codon 267 of the ACAN protein (p.Gln267Arg). This variant is not present in population databases (gnomAD no frequency). This variant has not been reported in the literature in individuals affected with ACAN-related conditions. Advanced modeling of protein sequence and biophysical properties (such as structural, functional, and spatial information, amino acid conservation, physicochemical variation, residue mobility, and thermodynamic stability) performed at Invitae indicates that this missense variant is not expected to disrupt ACAN protein function with a negative predictive value of 80%. In summary, the available evidence is currently insufficient to determine the role of this variant in disease. Therefore, it has been classified as a Variant of Uncertain Significance.

NM_001369268.1(ACAN):c.800A>G (p.Gln267Arg)

Gene: ACAN (aggrecan; plus strand). Cytogenetic location: 15q26.1.
Variant type: single nucleotide variant.
Coding change: c.800A>G on transcript NM_001369268.1 (MANE Select); coding-DNA position 800, A replaced by G.
Protein change: p.Gln267Arg; replaces glutamine 267 with arginine.
Molecular consequence: missense variant.
Genome position (GRCh38, 1-based): chr15:88,843,397, A>G. VCF-style: chr15-88843397-A-G. GRCh37 (hg19) VCF-style: chr15-89386628-A-G.
Other names: c.800A>G, p.Gln267Arg (NM_001411097.1, NM_013227.4, NM_001135.4 and 1 more transcripts); short protein forms Q267R.
Identifiers: ClinVar variation 3002040 (VCV003002040.3), dbSNP rs1213247409, ClinGen allele CA393707386.